The following is an entry in ClinVar:

ClinVar aggregate classification (germline): Uncertain significance (1 of 4 stars; one submission).

Conditions:
Familial hemophagocytic lymphohistiocytosis 4 (FHL4). Also called: STX11-Related Familial Hemophagocytic Lymphohistiocytosis (STX11-fHLH). Identifiers: Orphanet 540, MedGen C1863728, MONDO:0011336, OMIM 603552.

Submission:

Labcorp Genetics (formerly Invitae), Labcorp
Classification: Uncertain significance for Familial hemophagocytic lymphohistiocytosis 4. Last evaluated: 2022-07-26. Review status: criteria provided, single submitter. Criteria: Invitae Variant Classification Sherloc (09022015). Collection method: clinical testing. Allele origin: germline.
Comment: This sequence change replaces alanine, which is neutral and non-polar, with threonine, which is neutral and polar, at codon 125 of the STX11 protein (p.Ala125Thr). This variant is not present in population databases (gnomAD no frequency). This variant has not been reported in the literature in individuals affected with STX11-related conditions. ClinVar contains an entry for this variant (Variation ID: 1411665). Algorithms developed to predict the effect of missense changes on protein structure and function (SIFT, PolyPhen-2, Align-GVGD) all suggest that this variant is likely to be tolerated. In summary, the available evidence is currently insufficient to determine the role of this variant in disease. Therefore, it has been classified as a Variant of Uncertain Significance.

NM_003764.4(STX11):c.373G>A (p.Ala125Thr)

Gene: STX11 (syntaxin 11; plus strand). Cytogenetic location: 6q24.2.
Variant type: single nucleotide variant.
Coding change: c.373G>A on transcript NM_003764.4 (MANE Select); coding-DNA position 373, G replaced by A.
Protein change: p.Ala125Thr; replaces alanine 125 with threonine.
Molecular consequence: missense variant.
Genome position (GRCh38, 1-based): chr6:144,187,000, G>A. VCF-style: chr6-144187000-G-A. GRCh37 (hg19) VCF-style: chr6-144508137-G-A.
Other names: short protein forms A125T.
Identifiers: ClinVar variation 1411665 (VCV001411665.3), dbSNP rs2128757071, ClinGen allele CA365949102.
Genomic context (GRCh38, chr6:144,187,000, plus strand): 5'-CGCGCCATGAAGGAGCTGAGCGAGGCGGCTGAGGCCCAGCACGGCCCGCACTCGGCAGTG[G>A]CGCGCATTTCGCGGGCGCAGTACAACGCGCTCACCCTCACCTTCCAGCGCGCCATGCACG-3'
Protein context (NP_003755.2, residues 115-135): EAQHGPHSAV[Ala125Thr]RISRAQYNAL